The following is an entry in ClinVar:

ClinVar aggregate classification (germline): Uncertain significance (1 of 4 stars; one submission).

Submission:

Labcorp Genetics (formerly Invitae), Labcorp
Classification: Uncertain significance. Last evaluated: 2024-03-27. Review status: criteria provided, single submitter. Criteria: Invitae Variant Classification Sherloc (09022015). Collection method: clinical testing. Allele origin: germline.
Comment: This sequence change creates a premature translational stop signal (p.Gly1148Aspfs*6) in the JAK1 gene. While this is not anticipated to result in nonsense mediated decay, it is expected to disrupt the last 7 amino acid(s) of the JAK1 protein. This variant is not present in population databases (gnomAD no frequency). This variant has not been reported in the literature in individuals affected with JAK1-related conditions. In summary, the available evidence is currently insufficient to determine the role of this variant in disease. Therefore, it has been classified as a Variant of Uncertain Significance.

NM_002227.4(JAK1):c.3443del (p.Gly1148fs)

Gene: JAK1 (Janus kinase 1; minus strand). Cytogenetic location: 1p31.3.
Variant type: Deletion.
Coding change: c.3443del on transcript NM_002227.4 (MANE Select); coding-DNA position 3443, one base deleted (G; older notation c.3443delG).
Protein change: p.Gly1148fs; shifts the reading frame from glycine 1148.
Molecular consequence: frameshift variant.
Genome position (GRCh38, 1-based): chr1:64,834,584, C deleted on the plus strand (G on the coding strand, the reverse complement: JAK1 is on the minus strand); the first of 2 consecutive C bases (chr1:64,834,584-64,834,585); deleting either gives the same sequence. VCF-style (leftmost placement, unchanged base first): chr1-64834583-TC-T. GRCh37 (hg19) VCF-style: chr1-65300266-TC-T.
Other names: c.3443del, p.Gly1148fs (NM_001320923.2, NM_001321852.2, NM_001321853.2 and 3 more transcripts); c.3440del, p.Gly1147fs (NM_001321857.2); short protein forms G1147fs, G1148fs.
Identifiers: ClinVar variation 3623318 (VCV003623318.2).